The following is an entry in ClinVar:

NM_000071.3(CBS):c.1210G>T (p.Glu404Ter)

Gene: CBS (cystathionine beta-synthase; minus strand). Cytogenetic location: 21q22.3.
Variant type: single nucleotide variant.
Coding change: c.1210G>T on transcript NM_000071.3 (MANE Select); coding-DNA position 1210, G replaced by T.
Protein change: p.Glu404Ter; replaces glutamic acid 404 with a stop codon.
Molecular consequence: nonsense.
Genome position (GRCh38, 1-based): chr21:43,059,239, C>A on the plus strand (G>T on the coding strand, the complement: CBS is on the minus strand). VCF-style: chr21-43059239-C-A. GRCh37 (hg19) VCF-style: chr21-44479349-C-A.
Other names: c.1210G>T, p.Glu404Ter (NM_001178008.3, NM_001178009.3, NM_001320298.2); c.895G>T, p.Glu299Ter (NM_001321072.1); short protein forms E299*, E404*.
Identifiers: ClinVar variation 984015 (VCV000984015.3), dbSNP rs1981682654, ClinGen allele CA410397661.
Genomic context (GRCh38, chr21:43,059,239, plus strand): 5'-TGGGCAGGGCCAGCACAGGCAGCGGGTCTCCGGCCGAGCGGTCTTACCAGGGCTTCTTCT[C>A]CGTGAGGTCCTCCTCCTTCAGAAAGCCCTTCTGCAGCATCCACCTGTCGCTCAGGAACTT-3'

ClinVar aggregate classification (germline): Likely pathogenic (1 of 4 stars; one submission).

Conditions:
Classic homocystinuria. Also called: Homocystinuria due to Cystathionine Beta-Synthase Deficiency; HOMOCYSTINURIA WITH OR WITHOUT RESPONSE TO PYRIDOXINE; Homocystinuria due to CBS deficiency; Cystathionine beta-synthase deficiency; CBS deficiency. Identifiers: Orphanet 394, MedGen C0751202, MONDO:0009352, OMIM 236200.

Submission:

Myriad Genetics, Inc.
Classification: Likely pathogenic for Classic homocystinuria. Last evaluated: 2019-03-30. Review status: criteria provided, single submitter. Criteria: Myriad Women's Health Autosomal Recessive and X-Linked Classification Criteria (2019). Collection method: clinical testing. Allele origin: unknown.
Comment: NM_000071.2(CBS):c.1210G>T(E404*) is expected to be pathogenic in the context of homocystinuria, CBS-related. This variant is predicted to lead to an abnormal or absent protein product due to the creation of a premature termination codon in CBS, a gene where loss-of-function variants are known to be pathogenic. Please note: this variant was assessed in the context of healthy population screening.